The following is an entry in ClinVar:

NM_001042492.3(NF1):c.7515A>C (p.Ala2505=)

Gene: NF1 (neurofibromin 1; plus strand). Cytogenetic location: 17q11.2.
Variant type: single nucleotide variant.
Coding change: c.7515A>C on transcript NM_001042492.3 (MANE Select); coding-DNA position 7515, A replaced by C.
Protein change: p.Ala2505=; no amino-acid change (alanine 2505 retained).
Molecular consequence: synonymous variant.
Genome position (GRCh38, 1-based): chr17:31,352,314, A>C. VCF-style: chr17-31352314-A-C. GRCh37 (hg19) VCF-style: chr17-29679332-A-C.
Other names: c.7452A>C, p.Ala2484= (NM_000267.4).
Identifiers: ClinVar variation 1625862 (VCV001625862.10), dbSNP rs768857964, ClinGen allele CA8487603.
Genomic context (GRCh38, chr17:31,352,314, plus strand): 5'-CAGGACACTAAAGGAGACTCAGCCATGGTCCTCTCCCAAAGGTTCTGAAGGATACCTTGC[A>C]GCCACCTATCCAACTGTCGGCCAGACCAGTCCCCGAGCCAGGAAATCCATGAGCCTGGAC-3'
Protein context (NP_001035957.1, residues 2495-2515): SSPKGSEGYL[Ala2505=]ATYPTVGQTS

ClinVar aggregate classification (germline): Benign/Likely benign. Review status: criteria provided, multiple submitters, no conflicts (2 of 4 stars). 3 submissions from 3 submitters: Benign (1); Likely benign (2). Last evaluated 2026-05-21.

Conditions:
Cardiovascular phenotype. Identifiers: MedGen CN230736.
Hereditary cancer-predisposing syndrome. Also called: Neoplastic Syndromes, Hereditary; Tumor predisposition; Hereditary neoplastic syndrome; Hereditary Cancer Syndrome. Identifiers: Orphanet 140162, MedGen C0027672, MeSH D009386, MONDO:0015356.
Neurofibromatosis, type 1 (NF1). Also called: VON RECKLINGHAUSEN DISEASE; NEUROFIBROMATOSIS, TYPE I, SOMATIC; Neurofibromatosis, type I; Peripheral type neurofibromatosis. Identifiers: Orphanet 636, MedGen C0027831, MONDO:0018975, OMIM 162200. Disease mechanism: loss of function.

Allele frequency attached by ClinVar (database versions not stated): ExAC 0.00001; gnomAD exomes 0.00001.
gnomAD v4.1: 10 of 1,614,176 alleles (0.00062%); highest among the groups gnomAD compares: South Asian, 0.0088%; no homozygotes.

Submissions (3):

Myriad Genetics, Inc.
Classification: Benign for Neurofibromatosis, type 1. Last evaluated: 2026-05-21. Review status: criteria provided, single submitter. Criteria: Myriad Autosomal Dominant, Autosomal Recessive and X-Linked Classification Criteria (2023). Collection method: clinical testing. Allele origin: unknown.
Comment: This variant is considered benign. This variant is a silent/synonymous amino acid change and it is not expected to impact splicing.

Ambry Genetics
Classification: Likely benign for Cardiovascular phenotype; Hereditary cancer-predisposing syndrome. Last evaluated: 2024-12-06. Review status: criteria provided, single submitter. Criteria: Ambry Variant Classification Scheme 2023. Collection method: clinical testing. Allele origin: germline.

Labcorp Genetics (formerly Invitae), Labcorp
Classification: Likely benign for Neurofibromatosis, type 1. Last evaluated: 2024-01-28. Review status: criteria provided, single submitter. Criteria: Invitae Variant Classification Sherloc (09022015). Collection method: clinical testing. Allele origin: germline.